The following is an entry in ClinVar:

ClinVar aggregate classification (germline): Uncertain significance. Review status: criteria provided, multiple submitters, no conflicts (2 of 4 stars). 4 submissions from 4 submitters: Uncertain significance (4). Last evaluated 2025-11-24.

Conditions:
Hereditary cancer-predisposing syndrome. Also called: Neoplastic Syndromes, Hereditary; Tumor predisposition; Hereditary Cancer Syndrome; Hereditary neoplastic syndrome. Identifiers: Orphanet 140162, MedGen C0027672, MeSH D009386, MONDO:0015356.
Neuroblastoma, susceptibility to, 3. Also called: ALK-Related Neuroblastic Tumor Susceptibility. Identifiers: Orphanet 635, MedGen C2751681, MONDO:0013083, OMIM 613014.

Allele frequency attached by ClinVar (database versions not stated): gnomAD 0.00001; TOPMed 0.00001.
gnomAD v4.1: 1 of 1,613,832 alleles (0.000062%); highest among the groups gnomAD compares: Non-Finnish European, 0.000085%; no homozygotes.

Submissions (4):

Labcorp Genetics (formerly Invitae), Labcorp
Classification: Uncertain significance for Neuroblastoma, susceptibility to, 3. Last evaluated: 2025-11-24. Review status: criteria provided, single submitter. Criteria: Invitae Variant Classification Sherloc (09022015). Collection method: clinical testing. Allele origin: germline.
Comment: This sequence change replaces glutamic acid, which is acidic and polar, with glycine, which is neutral and non-polar, at codon 1409 of the ALK protein (p.Glu1409Gly). This variant is not present in population databases (gnomAD no frequency). This variant has not been reported in the literature in individuals affected with ALK-related conditions. ClinVar contains an entry for this variant (Variation ID: 538250). An algorithm developed to predict the effect of missense changes on protein structure and function (PolyPhen-2) suggests that this variant is likely to be disruptive. Algorithms developed to predict the effect of sequence changes on RNA splicing suggest that this variant may disrupt the consensus splice site. In summary, the available evidence is currently insufficient to determine the role of this variant in disease. Therefore, it has been classified as a Variant of Uncertain Significance.

Ambry Genetics
Classification: Uncertain significance for Hereditary cancer-predisposing syndrome. Last evaluated: 2024-10-31. Review status: criteria provided, single submitter. Criteria: Ambry Variant Classification Scheme 2023. Collection method: clinical testing. Allele origin: germline.
Comment: The p.E1409G variant (also known as c.4226A>G), located in coding exon 29 of the ALK gene, results from an A to G substitution at nucleotide position 4226. The glutamic acid at codon 1409 is replaced by glycine, an amino acid with similar properties. This amino acid position is conserved. In addition, the in silico prediction for this alteration is inconclusive. Since supporting evidence is limited at this time, the clinical significance of this alteration remains unclear.

Baylor Genetics
Classification: Uncertain significance for Neuroblastoma, susceptibility to, 3. Last evaluated: 2023-10-10. Review status: criteria provided, single submitter. Criteria: ACMG Guidelines, 2015. Collection method: clinical testing. Allele origin: unknown.

GeneDx
Classification: Uncertain significance. Last evaluated: 2023-03-06. Review status: criteria provided, single submitter. Criteria: GeneDx Variant Classification Process June 2021. Collection method: clinical testing. Allele origin: germline. Affected: yes.
Comment: Not observed at significant frequency in large population cohorts (gnomAD); In silico analysis supports that this missense variant does not alter protein structure/function; Has not been previously published as pathogenic or benign to our knowledge

NM_004304.5(ALK):c.4226A>G (p.Glu1409Gly)

Gene: ALK (ALK receptor tyrosine kinase; minus strand). Cytogenetic location: 2p23.2.
Variant type: single nucleotide variant.
Coding change: c.4226A>G on transcript NM_004304.5 (MANE Select); coding-DNA position 4226, A replaced by G.
Protein change: p.Glu1409Gly; replaces glutamic acid 1409 with glycine.
Molecular consequence: missense variant.
Genome position (GRCh38, 1-based): chr2:29,193,861, T>C on the plus strand (A>G on the coding strand, the complement: ALK is on the minus strand). VCF-style: chr2-29193861-T-C. GRCh37 (hg19) VCF-style: chr2-29416727-T-C.
Other names: c.1022A>G, p.Glu341Gly (NM_001353765.2); short protein forms E1409G, E341G.
Identifiers: ClinVar variation 538250 (VCV000538250.14), dbSNP rs1286165795, ClinGen allele CA346463192.